The following is an entry in ClinVar:

ClinVar aggregate classification (germline): Pathogenic. Review status: criteria provided, single submitter (1 of 4 stars). 2 submissions from 2 submitters: Pathogenic (1). 1 of the submissions does not count toward it. Last evaluated 2022-06-06.

Conditions:
Malan overgrowth syndrome (MALNS). Also called: Sotos syndrome 2; MALAN SYNDROME; NFIX-Related Malan Syndrome. Identifiers: Orphanet 420179, MedGen C3553660, MONDO:0013885, OMIM 614753.

Submissions (2):

GeneDx
Classification: Pathogenic. Last evaluated: 2022-06-06. Review status: criteria provided, single submitter. Criteria: GeneDx Variant Classification Process June 2021. Collection method: clinical testing. Allele origin: germline. Affected: yes.
Comment: Nonsense variant predicted to result in protein truncation or nonsense mediated decay in a gene for which loss of function is a known mechanism of disease; Not observed at significant frequency in large population cohorts (gnomAD); Has not been previously published as pathogenic or benign to our knowledge

Medical Genetic Institute of Henan Province, Henan Provincial People’s Hospital
Classification: Pathogenic for Sotos syndrome 2. Review status: no assertion criteria provided. Collection method: case-control. Allele origin: unknown. Not counted in ClinVar's aggregate classification.

NM_001365902.3(NFIX):c.935G>A (p.Trp312Ter)

Gene: NFIX (nuclear factor I X; plus strand). Cytogenetic location: 19p13.13.
Variant type: single nucleotide variant.
Coding change: c.935G>A on transcript NM_001365902.3 (MANE Select); coding-DNA position 935, G replaced by A.
Protein change: p.Trp312Ter; replaces tryptophan 312 with a stop codon.
Molecular consequence: nonsense.
Genome position (GRCh38, 1-based): chr19:13,075,651, G>A. VCF-style: chr19-13075651-G-A. GRCh37 (hg19) VCF-style: chr19-13186465-G-A.
Other names: c.959G>A, p.Trp320Ter (NM_001271043.2); c.911G>A, p.Trp304Ter (NM_001271044.3, NM_001378404.1); c.935G>A, p.Trp312Ter (NM_001365982.2, NM_002501.4); c.794G>A, p.Trp265Ter (NM_001365983.2); c.932G>A, p.Trp311Ter (NM_001365984.2, NM_001365985.2); c.983G>A, p.Trp328Ter (NM_001378405.1); short protein forms W265*, W304*, W311*, W312*, W320*, W328*.
Identifiers: ClinVar variation 1334427 (VCV001334427.2), dbSNP rs2145443002, ClinGen allele CA404298290.